The following is an entry in ClinVar:

ClinVar aggregate classification (germline): Conflicting classifications of pathogenicity. Review status: criteria provided, conflicting classifications (1 of 4 stars). 2 submissions from 2 submitters: Uncertain significance (1); Benign (1). Last evaluated 2025-08-15.

Conditions:
Melanoma-pancreatic cancer syndrome. Identifiers: Orphanet 404560, MedGen C1838547, MONDO:0011713, OMIM 606719. Disease mechanism: loss of function.
Hereditary cancer-predisposing syndrome. Also called: Tumor predisposition; Neoplastic Syndromes, Hereditary; Hereditary Cancer Syndrome; Hereditary neoplastic syndrome. Identifiers: Orphanet 140162, MedGen C0027672, MeSH D009386, MONDO:0015356.

Allele frequency attached by ClinVar (database versions not stated): gnomAD exomes below 0.00001; gnomAD 0.00001; TOPMed 0.00003.
gnomAD v4.1: 5 of 1,528,228 alleles (0.00033%); highest among the groups gnomAD compares: African/African-American, 0.0055%; no homozygotes.

Submissions (2):

Myriad Genetics, Inc.
Classification: Benign for Melanoma-pancreatic cancer syndrome. Last evaluated: 2025-08-15. Review status: criteria provided, single submitter. Criteria: Myriad Autosomal Dominant, Autosomal Recessive and X-Linked Classification Criteria (2023). Collection method: clinical testing. Allele origin: unknown.
Comment: This variant is considered benign. This variant is intronic and is not expected to impact mRNA splicing.

Color Diagnostics, LLC DBA Color Health
Classification: Uncertain significance for Hereditary cancer-predisposing syndrome. Last evaluated: 2024-09-30. Review status: criteria provided, single submitter. Criteria: ACMG Guidelines, 2015. Collection method: clinical testing. Allele origin: germline.
Comment: The CDKN2A locus encodes two different gene products, p16INK4a and p14ARF. This variant causes a T to G nucleotide substitution at the -104 position of intron 2 of the CDKN2A (p16INK4A) gene. To our knowledge, RNA studies have not been reported for this variant. This variant has not been reported in individuals affected with CDKN2A-related disorders in the literature. This variant has not been identified in the general population by the Genome Aggregation Database (gnomAD). The available evidence is insufficient to determine the role of this variant in disease conclusively. Therefore, this variant is classified as a Variant of Uncertain Significance.

NM_000077.5(CDKN2A):c.458-104T>G

Gene: CDKN2A (cyclin dependent kinase inhibitor 2A; minus strand). Cytogenetic location: 9p21.3.
Variant type: single nucleotide variant.
Coding change: c.458-104T>G on transcript NM_000077.5 (MANE Select); 104 bases into the intron before coding-DNA position 458, T replaced by G.
Molecular consequence: intron variant.
Genome position (GRCh38, 1-based): chr9:21,968,346, A>C on the plus strand (T>G on the coding strand, the complement: CDKN2A is on the minus strand). VCF-style: chr9-21968346-A-C. GRCh37 (hg19) VCF-style: chr9-21968345-A-C.
Other names: c.305-104T>G (NM_001363763.2); c.*102-104T>G (NM_058195.4); c.*151-104T>G (NM_001195132.2); c.*381-104T>G (NM_058197.5).
Identifiers: ClinVar variation 2775051 (VCV002775051.3), dbSNP rs909374291, ClinGen allele CA190728083.